The following is an entry in ClinVar:

NC_000015.9:g.(?_48773832)_(48888595_?)del

Gene: FBN1 (fibrillin 1; minus strand). Cytogenetic location: 15q21.1.
Variant type: Deletion.
Identifiers: ClinVar variation 3243730 (VCV003243730.1).

ClinVar aggregate classification (germline): Pathogenic (1 of 4 stars; one submission).

Conditions:
Marfan syndrome (MFS). Also called: MARFAN SYNDROME, TYPE I; Marfan syndrome type 1; Marfan's syndrome; Marfan syndrome, classic; FBN1-Related Marfan Syndrome. Identifiers: Orphanet 284963, Orphanet 558, MedGen C0024796, MONDO:0007947, OMIM 154700.
Familial thoracic aortic aneurysm and aortic dissection (TAAD). Also called: Thoracic aortic aneurysms and dissections. Identifiers: Orphanet 91387, MedGen C4707243, MONDO:0019625.

Submission:

Labcorp Genetics (formerly Invitae), Labcorp
Classification: Pathogenic for Marfan syndrome; Familial thoracic aortic aneurysm and aortic dissection. Last evaluated: 2023-03-16. Review status: criteria provided, single submitter. Criteria: Invitae Variant Classification Sherloc (09022015). Collection method: clinical testing. Allele origin: unknown.
Comment: This variant has not been reported in the literature in individuals affected with FBN1-related conditions. For these reasons, this variant has been classified as Pathogenic. This variant affects a cysteine residue in the EGF-like, TGFBP or hybrid motif domains of FBN1. Cysteine residues are believed to be involved in intramolecular disulfide bridges and have been shown to be important for FBN1 protein structure (PMID: 16905551, 19349279). In addition, missense substitutions affecting cysteine residues within these domains are significantly overrepresented among patients with Marfan syndrome (PMID: 16571647, 17701892). This variant is a gross deletion of the genomic region encompassing exon(s) 6-32 of the FBN1 gene. This variant would be expected to be in-frame, preserving the integrity of the reading frame.

Literature cited by the submitters: PubMed 16905551; PubMed 19349279; PubMed 16571647; PubMed 17701892.